The following is an entry in ClinVar:

NM_000393.5(COL5A2):c.3010A>G (p.Arg1004Gly)

Gene: COL5A2 (collagen type V alpha 2 chain; minus strand). Cytogenetic location: 2q32.2.
Variant type: single nucleotide variant.
Coding change: c.3010A>G on transcript NM_000393.5 (MANE Select); coding-DNA position 3010, A replaced by G.
Protein change: p.Arg1004Gly; replaces arginine 1004 with glycine.
Molecular consequence: missense variant.
Genome position (GRCh38, 1-based): chr2:189,050,598, T>C on the plus strand (A>G on the coding strand, the complement: COL5A2 is on the minus strand). VCF-style: chr2-189050598-T-C. GRCh37 (hg19) VCF-style: chr2-189915324-T-C.
Other names: short protein forms R1004G.
Identifiers: ClinVar variation 4810995 (VCV004810995.1).
Genomic context (GRCh38, chr2:189,050,598, plus strand): 5'-AGATAAAATATTGACCGATGCAGCTACTCACCGCTGGGCCTGGTAGGCCGGGCATGCCTC[T>C]CTCTCCACGTTGCCCAGGCATGCCAACAATTCCTCTCTGCCCGGTCGTTCCAGCTGGACC-3'
Protein context (NP_000384.2, residues 994-1014): IVGMPGQRGE[Arg1004Gly]GMPGLPGPAG

ClinVar aggregate classification (germline): Uncertain significance (1 of 4 stars; one submission).

Conditions:
Ehlers-Danlos syndrome, classic type, 1 (EDSCL1). Also called: Ehlers-Danlos Syndrome, Classic Type, COL5A1-Related; EDS I; EHLERS-DANLOS SYNDROME, GRAVIS TYPE; EHLERS-DANLOS SYNDROME, SEVERE CLASSIC TYPE; Ehlers-Danlos syndrome, type 1. Identifiers: MedGen C0268335, MONDO:0019567, OMIM 130000.

Submission:

Labcorp Genetics (formerly Invitae), Labcorp
Classification: Uncertain significance for Ehlers-Danlos syndrome, classic type, 1. Last evaluated: 2025-10-01. Review status: criteria provided, single submitter. Criteria: Invitae Variant Classification Sherloc (09022015). Collection method: clinical testing. Allele origin: germline.
Comment: This sequence change replaces arginine, which is basic and polar, with glycine, which is neutral and non-polar, at codon 1004 of the COL5A2 protein (p.Arg1004Gly). This variant is not present in population databases (gnomAD no frequency). This variant has not been reported in the literature in individuals affected with COL5A2-related conditions. Invitae Evidence Modeling of protein sequence and biophysical properties (such as structural, functional, and spatial information, amino acid conservation, physicochemical variation, residue mobility, and thermodynamic stability) indicates that this missense variant is not expected to disrupt COL5A2 protein function with a negative predictive value of 80%. In summary, the available evidence is currently insufficient to determine the role of this variant in disease. Therefore, it has been classified as a Variant of Uncertain Significance.